The following is an entry in ClinVar:

ClinVar aggregate classification (germline): Uncertain significance. Review status: criteria provided, multiple submitters, no conflicts (2 of 4 stars). 2 submissions from 2 submitters: Uncertain significance (2). Last evaluated 2022-03-13.

Conditions:
Progressive sclerosing poliodystrophy (MTDPS4A). Also called: Alpers-Huttenlocher Syndrome (AHS); Alpers Syndrome; ALPERS PROGRESSIVE INFANTILE POLIODYSTROPHY; Mitochondrial DNA depletion syndrome 4A (Alpers type); ALPERS DIFFUSE DEGENERATION OF CEREBRAL GRAY MATTER WITH HEPATIC CIRRHOSIS; Alpers-Huttenlocher Syndrome. Identifiers: Orphanet 726, MedGen C0205710, MONDO:0008758, OMIM 203700.

Allele frequency attached by ClinVar (database versions not stated): gnomAD exomes below 0.00001.
gnomAD v4.1: 1 of 1,614,134 alleles (0.000062%); highest among the groups gnomAD compares: Non-Finnish European, 0.000085%; no homozygotes.

Submissions (2):

Labcorp Genetics (formerly Invitae), Labcorp
Classification: Uncertain significance for Progressive sclerosing poliodystrophy. Last evaluated: 2022-03-13. Review status: criteria provided, single submitter. Criteria: Invitae Variant Classification Sherloc (09022015). Collection method: clinical testing. Allele origin: germline.
Comment: In summary, the available evidence is currently insufficient to determine the role of this variant in disease. Therefore, it has been classified as a Variant of Uncertain Significance. Algorithms developed to predict the effect of missense changes on protein structure and function are either unavailable or do not agree on the potential impact of this missense change (SIFT: "Deleterious"; PolyPhen-2: "Probably Damaging"; Align-GVGD: "Class C0"). This sequence change replaces valine, which is neutral and non-polar, with methionine, which is neutral and non-polar, at codon 1100 of the POLG protein (p.Val1100Met). This variant is not present in population databases (gnomAD no frequency). This variant has not been reported in the literature in individuals affected with POLG-related conditions. ClinVar contains an entry for this variant (Variation ID: 619434).

Wong Mito Lab, Molecular and Human Genetics, Baylor College of Medicine
Classification: Uncertain significance for Progressive sclerosing poliodystrophy. Last evaluated: 2018-10-01. Review status: criteria provided, single submitter. Criteria: ACMG Guidelines, 2015. Collection method: clinical testing. Allele origin: germline.
Comment: The NM_002693.2:c.3298G>A (NP_002684.1:p.Val1100Met) [GRCH38: NC_000015.10:g.89318725C>T] variant in POLG gene is interpretated to be a Uncertain Significance based on ACMG guidelines (PMID: 25741868). This variant meets the following evidence codes reported in the ACMG-guideline. PM2:This variant is absent in key population databases. PP3:Computational evidence/predictors indicate the variant has deleterious effect on POLG structure, function, or protein-protein interaction. Based on the evidence criteria codes applied, the variant is suggested to be Uncertain Significance.

NM_002693.3(POLG):c.3298G>A (p.Val1100Met)

Gene: POLG (DNA polymerase gamma, catalytic subunit; minus strand). Cytogenetic location: 15q26.1.
Variant type: single nucleotide variant.
Coding change: c.3298G>A on transcript NM_002693.3 (MANE Select); coding-DNA position 3298, G replaced by A.
Protein change: p.Val1100Met; replaces valine 1100 with methionine.
Molecular consequence: missense variant.
Genome position (GRCh38, 1-based): chr15:89,318,725, C>T on the plus strand (G>A on the coding strand, the complement: POLG is on the minus strand). VCF-style: chr15-89318725-C-T. GRCh37 (hg19) VCF-style: chr15-89861956-C-T.
Other names: c.3298G>A, p.Val1100Met (NM_001126131.2); short protein forms V1100M.
Identifiers: ClinVar variation 619434 (VCV000619434.6), dbSNP rs1567185242, ClinGen allele CA10602267.
Genomic context (GRCh38, chr15:89,318,725, plus strand): 5'-ACAGCCACTTCATGGCCACAAGCATGAGGTGTAAGTAGTCAACAGCAGAGCTCTGTACCA[C>T]CCAATTCACACGGCTGGTCATAAACTGGGAAGGGAAGGTGGGCAGAGGTGAAAGGGGCTA-3'
Protein context (NP_002684.1, residues 1090-1110): EEFMTSRVNW[Val1100Met]VQSSAVDYLH